The following is an entry in ClinVar:

ClinVar aggregate classification (germline): Likely benign. Review status: criteria provided, multiple submitters, no conflicts (2 of 4 stars). 4 submissions from 4 submitters: Likely benign (3). 1 of the submissions does not count toward it. Last evaluated 2025-12-29.

Conditions:
SUFU-related disorder. Also called: SUFU-related condition; SUFU-related disorders.
Gorlin syndrome. Also called: Nevoid Basal Cell Carcinoma Syndrome; Basal cell nevus syndrome. Identifiers: Orphanet 377, MedGen C0004779, MONDO:0007187.
Medulloblastoma (MDB). Also called: Medulloblastoma, somatic; MEDULLOBLASTOMA PREDISPOSITION SYNDROME. Identifiers: Orphanet 616, MedGen C0025149, MeSH D008527, MONDO:0007959, OMIM 155255, HP:0002885.
Hereditary cancer-predisposing syndrome. Also called: Neoplastic Syndromes, Hereditary; Hereditary Cancer Syndrome; Tumor predisposition; Hereditary neoplastic syndrome. Identifiers: Orphanet 140162, MedGen C0027672, MeSH D009386, MONDO:0015356.

Allele frequency attached by ClinVar (database versions not stated): TOPMed 0.00001; gnomAD 0.00002 and 0.00003; gnomAD exomes 0.00004 and 0.00005; ExAC 0.00008.
gnomAD v4.1: 64 of 1,614,016 alleles (0.004%); highest among the groups gnomAD compares: Non-Finnish European, 0.0047%; no homozygotes.

Submissions (4):

Labcorp Genetics (formerly Invitae), Labcorp
Classification: Likely benign for Gorlin syndrome; Medulloblastoma. Last evaluated: 2025-12-29. Review status: criteria provided, single submitter. Criteria: Invitae Variant Classification Sherloc (09022015). Collection method: clinical testing. Allele origin: germline.

CeGaT Center for Human Genetics Tuebingen
Classification: Likely benign. Last evaluated: 2024-06-01. Review status: criteria provided, single submitter. Criteria: CeGaT Center For Human Genetics Tuebingen Variant Classification Criteria Version 2. Collection method: clinical testing. Allele origin: germline. Affected: yes. Observed: 2 variant alleles.
Comment: SUFU: BP4, BP7

Ambry Genetics
Classification: Likely benign for Hereditary cancer-predisposing syndrome. Last evaluated: 2019-11-08. Review status: criteria provided, single submitter. Criteria: Ambry Variant Classification Scheme 2023. Collection method: clinical testing. Allele origin: germline.

PreventionGenetics, part of Exact Sciences
Classification: Likely benign for SUFU-related condition. Last evaluated: 2021-10-15. Review status: no assertion criteria provided. Collection method: clinical testing. Allele origin: germline. Not counted in ClinVar's aggregate classification.
Comment: This variant is classified as likely benign based on ACMG/AMP sequence variant interpretation guidelines (Richards et al. 2015 PMID: 25741868, with internal and published modifications).

NM_016169.4(SUFU):c.1446G>A (p.Pro482=)

Gene: SUFU (SUFU negative regulator of hedgehog signaling; plus strand). Cytogenetic location: 10q24.32.
Variant type: single nucleotide variant.
Coding change: c.1446G>A on transcript NM_016169.4 (MANE Select); coding-DNA position 1446, G replaced by A.
Protein change: p.Pro482=; no amino-acid change (proline 482 retained).
Molecular consequence: synonymous variant.
Genome position (GRCh38, 1-based): chr10:102,630,146, G>A. VCF-style: chr10-102630146-G-A. GRCh37 (hg19) VCF-style: chr10-104389903-G-A.
Identifiers: ClinVar variation 524678 (VCV000524678.41), dbSNP rs761389038, ClinGen allele CA5668007.